The following is an entry in ClinVar:

ClinVar aggregate classification (germline): Uncertain significance (1 of 4 stars; one submission).

Conditions:
Charcot-Marie-Tooth disease type 2. Also called: Charcot-Marie-Tooth type 2. Identifiers: Orphanet 64746, MedGen C0270914, MONDO:0018993.

gnomAD v4.1: 2 of 1,613,964 alleles (0.00012%); highest among the groups gnomAD compares: Non-Finnish European, 0.00017%; no homozygotes.

Submission:

Labcorp Genetics (formerly Invitae), Labcorp
Classification: Uncertain significance for Charcot-Marie-Tooth disease type 2. Last evaluated: 2024-07-31. Review status: criteria provided, single submitter. Criteria: Invitae Variant Classification Sherloc (09022015). Collection method: clinical testing. Allele origin: germline.
Comment: This sequence change replaces proline, which is neutral and non-polar, with alanine, which is neutral and non-polar, at codon 787 of the AARS protein (p.Pro787Ala). This variant is not present in population databases (gnomAD no frequency). This variant has not been reported in the literature in individuals affected with AARS-related conditions. Advanced modeling of protein sequence and biophysical properties (such as structural, functional, and spatial information, amino acid conservation, physicochemical variation, residue mobility, and thermodynamic stability) performed at Invitae indicates that this missense variant is not expected to disrupt AARS protein function with a negative predictive value of 95%. In summary, the available evidence is currently insufficient to determine the role of this variant in disease. Therefore, it has been classified as a Variant of Uncertain Significance.

NM_001605.3(AARS1):c.2359C>G (p.Pro787Ala)

Gene: AARS1 (alanyl-tRNA synthetase 1; minus strand). Cytogenetic location: 16q22.1.
Variant type: single nucleotide variant.
Coding change: c.2359C>G on transcript NM_001605.3 (MANE Select); coding-DNA position 2359, C replaced by G.
Protein change: p.Pro787Ala; replaces proline 787 with alanine.
Molecular consequence: missense variant.
Genome position (GRCh38, 1-based): chr16:70,254,662, G>C on the plus strand (C>G on the coding strand, the complement: AARS1 is on the minus strand). VCF-style: chr16-70254662-G-C. GRCh37 (hg19) VCF-style: chr16-70288565-G-C.
Other names: short protein forms P787A.
Identifiers: ClinVar variation 3679890 (VCV003679890.2).